The following is an entry in ClinVar:

ClinVar aggregate classification (germline): Pathogenic (1 of 4 stars; one submission).

Conditions:
Acute myeloid leukemia (AML). Also called: Acute myeloid leukemia, adult; AML adult; Acute non-lymphocytic leukemia; Acute granulocytic leukemia; Leukemia, acute myeloid, somatic; Leukemia, acute myelogenous, somatic. Identifiers: Orphanet 519, MedGen C0023467, MeSH D015470, MONDO:0018874, OMIM 601626, HP:0004808. Disease mechanism: Constitutively activated FLT3.

Submission:

St. Jude Molecular Pathology, St. Jude Children's Research Hospital
Classification: Pathogenic for Acute myeloid leukemia. Last evaluated: 2026-02-11. Review status: criteria provided, single submitter. Criteria: St. Jude Assertion Criteria 2020. Collection method: clinical testing. Allele origin: germline.
Comment: The CEBPA c.134dup p.(Pro46ThrfsTer62) change duplicates one nucleotide to cause a frameshift and the creation of a premature stop codon, disrupting the production of the full length isoform (p42) of the CEBPA protein. This variant is predicted to utilize an alternative downstream initiation codon that generates a truncated isoform (30Ã¢ € ‰kDa; p30) lacking the transactivation domain 1 (TAD1) and that functions in a dominant-negative fashion (PMID: 19953636, 26601784). This variant has been observed in individuals with acute myeloid leukemia in which the tumor harbored a second somatic mutation (PMID: 27010436, internal data). In summary, this variant meets criteria to be classified as pathogenic.

NM_004364.5(CEBPA):c.134dup (p.Pro46fs)

Gene: CEBPA (CCAAT enhancer binding protein alpha; minus strand). Cytogenetic location: 19q13.11.
Variant type: Duplication.
Coding change: c.134dup on transcript NM_004364.5 (MANE Select); coding-DNA position 134, one base duplicated (C; older notation c.134dupC).
Protein change: p.Pro46fs; shifts the reading frame from proline 46.
Molecular consequence: frameshift variant. On other transcripts: 5 prime UTR variant (1).
Genome position (GRCh38, 1-based): chr19:33,302,281, G duplicated on the plus strand (C on the coding strand, the reverse complement: CEBPA is on the minus strand); the first of 4 consecutive G bases (chr19:33,302,281-33,302,284); duplicating any one gives the same sequence. VCF-style (leftmost placement, unchanged base first): chr19-33302280-T-TG. GRCh37 (hg19) VCF-style: chr19-33793186-T-TG.
Other names: c.-224dup (NM_001285829.2); c.239dup, p.Pro81fs (NM_001287424.2); c.92dup, p.Pro32fs (NM_001287435.2); short protein forms P32fs, P46fs, P81fs.
Identifiers: ClinVar variation 4813132 (VCV004813132.1).